The following is an entry in ClinVar:

NM_001165963.4(SCN1A):c.557T>C (p.Leu186Pro)

Gene: SCN1A (sodium voltage-gated channel alpha subunit 1; minus strand). Cytogenetic location: 2q24.3.
Variant type: single nucleotide variant.
Coding change: c.557T>C on transcript NM_001165963.4 (MANE Select); coding-DNA position 557, T replaced by C.
Protein change: p.Leu186Pro; replaces leucine 186 with proline.
Molecular consequence: missense variant. On other transcripts: 5 prime UTR variant (1), non-coding transcript variant (1).
Genome position (GRCh38, 1-based): chr2:166,054,683, A>G on the plus strand (T>C on the coding strand, the complement: SCN1A is on the minus strand). VCF-style: chr2-166054683-A-G. GRCh37 (hg19) VCF-style: chr2-166911193-A-G.
Other names: c.557T>C, p.Leu186Pro (NM_001165964.3, NM_001202435.3, NM_001353948.2 and 10 more transcripts); c.-1869T>C (NM_001353961.2); c.557T>C (NM_001165963.3); short protein forms L186P.
Identifiers: ClinVar variation 579750 (VCV000579750.11), dbSNP rs1559245847, ClinGen allele CA349075420.

ClinVar aggregate classification (germline): Conflicting classifications of pathogenicity. Review status: criteria provided, conflicting classifications (1 of 4 stars). 2 submissions from 2 submitters: Pathogenic (1); Uncertain significance (1). Last evaluated 2025-09-08.

Conditions:
Migraine, familial hemiplegic, 3. Identifiers: Orphanet 569, MedGen C1864987, MONDO:0012320, OMIM 609634.
Developmental and epileptic encephalopathy 6B. Also called: Developmental and epileptic encephalopathy 6B, non-Dravet. Identifiers: MedGen C5543353, MONDO:0030268, OMIM 619317.
Generalized epilepsy with febrile seizures plus, type 2 (GEFSP2). Also called: GEFS+, TYPE 2. Identifiers: Orphanet 36387, MedGen C1858673, MONDO:0011461, OMIM 604403.
Severe myoclonic epilepsy in infancy (DRVT). Also called: Dravet syndrome; Severe Myoclonic Epilepsy in Infancy (SMEI); SEVERE MYOCLONIC EPILEPSY OF INFANCY; DEVELOPMENTAL AND EPILEPTIC ENCEPHALOPATHY 6A; Epileptic encephalopathy, early infantile, 6 (Dravet syndrome). Identifiers: Orphanet 33069, MedGen C0751122, MONDO:0100135, OMIM 607208.
Early-infantile DEE. Also called: Ohtahara syndrome; Early infantile epileptic encephalopathy with suppression bursts; Early infantile epileptic encephalopathy. Identifiers: Orphanet 1934, MedGen C0393706, MONDO:0800491.

Submissions (2):

Labcorp Genetics (formerly Invitae), Labcorp
Classification: Pathogenic for Early-infantile DEE. Last evaluated: 2025-09-08. Review status: criteria provided, single submitter. Criteria: Invitae Variant Classification Sherloc (09022015). Collection method: clinical testing. Allele origin: germline.
Comment: This sequence change replaces leucine, which is neutral and non-polar, with proline, which is neutral and non-polar, at codon 186 of the SCN1A protein (p.Leu186Pro). This variant is not present in population databases (gnomAD no frequency). This missense change has been observed in individual(s) with clinical features consistent with an SCN1A-related disease and/or Dravet syndrome (PMID: 35087721; internal data). In at least one individual the variant was observed to be de novo. ClinVar contains an entry for this variant (Variation ID: 579750). Invitae Evidence Modeling of protein sequence and biophysical properties (such as structural, functional, and spatial information, amino acid conservation, physicochemical variation, residue mobility, and thermodynamic stability) indicates that this missense variant is expected to disrupt SCN1A protein function with a positive predictive value of 95%. For these reasons, this variant has been classified as Pathogenic.

Juno Genomics, Hangzhou Juno Genomics, Inc
Classification: Uncertain significance for Severe myoclonic epilepsy in infancy; Generalized epilepsy with febrile seizures plus, type 2; Migraine, familial hemiplegic, 3; Developmental and epileptic encephalopathy 6B. Review status: criteria provided, single submitter. Criteria: ACMG Guidelines, 2015. Collection method: clinical testing. Allele origin: germline. Affected: yes.
Comment: Absent from controls (or at extremely low frequency if recessive) in Genome Aggregation Database, Exome Sequencing Project, 1000 Genomes Project, or Exome Aggregation Consortium.;Multiple lines of computational evidence support a deleterious effect on the gene or gene product (conservation, evolutionary, splicing impact, etc).;De novo (both maternity and paternity confirmed) in a patient with the disease and no family history.;Missense variant in a gene that has a low rate of benign missense variation and where missense variants are a common mechanism of disease.

Literature cited by the submitters: PubMed 35087721 (cited by Labcorp Genetics (formerly Invitae), Labcorp).